The following is an entry in ClinVar:

ClinVar aggregate classification (germline): Conflicting classifications of pathogenicity. Review status: criteria provided, conflicting classifications (1 of 4 stars). 3 submissions from 3 submitters: Uncertain significance (2); Benign (1). Last evaluated 2026-04-07.

Conditions:
ACTN2-related disorder. Also called: ACTN2 related condition; ACTN2-related disorders.
Cardiovascular phenotype. Identifiers: MedGen CN230736.
Primary familial hypertrophic cardiomyopathy (HCM). Identifiers: Orphanet 99739, MedGen C0949658, MeSH D024741, MONDO:0024573. Inheritance: Various modes of inheritance.
Dilated cardiomyopathy 1AA (CMD1AA). Also called: CARDIOMYOPATHY, DILATED, 1AA, WITH OR WITHOUT LEFT VENTRICULAR NONCOMPACTION; CARDIOMYOPATHY, FAMILIAL HYPERTROPHIC, 23, WITH OR WITHOUT LEFT VENTRICULAR NONCOMPACTION; Cardiomyopathy, dilated, 1AA, with or without LVNC. Identifiers: Orphanet 154, MedGen C2677338, MONDO:0012808, OMIM 612158.

Allele frequency attached by ClinVar (database versions not stated): ExAC 0.00001; gnomAD exomes 0.00001; TOPMed 0.00003; gnomAD 0.00004; ESP Exome Variant Server 0.00008.
gnomAD v4.1: 17 of 1,614,094 alleles (0.0011%); highest among the groups gnomAD compares: African/African-American, 0.019%; no homozygotes.

Submissions (3):

PreventionGenetics, part of Exact Sciences
Classification: Uncertain significance for ACTN2-related condition. Last evaluated: 2026-04-07. Review status: criteria provided, single submitter. Criteria: ACMG Guidelines, 2015. Collection method: clinical testing. Allele origin: germline.
Comment: The ACTN2 c.1646A>T variant is predicted to result in the amino acid substitution p.Glu549Val. This variant has been reported as a variant of uncertain significance in an individual with hypertrophic cardiomyopathy (Supplementary File 2, van Lint et al. 2019. PubMed ID: 30847666). This variant is reported in 0.0080% of alleles in individuals of African descent in gnomAD. At this time, the clinical significance of this variant is uncertain due to the absence of conclusive functional and genetic evidence.

Labcorp Genetics (formerly Invitae), Labcorp
Classification: Benign for Primary familial hypertrophic cardiomyopathy; Dilated cardiomyopathy 1AA. Last evaluated: 2026-02-03. Review status: criteria provided, single submitter. Criteria: Invitae Variant Classification Sherloc (09022015). Collection method: clinical testing. Allele origin: germline.

Ambry Genetics
Classification: Uncertain significance for Cardiovascular phenotype. Last evaluated: 2021-08-02. Review status: criteria provided, single submitter. Criteria: Ambry Variant Classification Scheme 2023. Collection method: clinical testing. Allele origin: germline.
Comment: The p.E549V variant (also known as c.1646A>T), located in coding exon 14 of the ACTN2 gene, results from an A to T substitution at nucleotide position 1646. The glutamic acid at codon 549 is replaced by valine, an amino acid with dissimilar properties. This variant was detected in one individual from a cardiomyopathy genetic testing cohort; however, clinical details were limited, and an additional cardiac variant was also detected (van Lint FHM et al. Neth Heart J, 2019 Jun;27:304-309).This amino acid position is highly conserved in available vertebrate species. In addition, the in silico prediction for this alteration is inconclusive. Since supporting evidence is limited at this time, the clinical significance of this alteration remains unclear.

Literature cited by the submitters: PubMed 30847666 (cited by Ambry Genetics).

NM_001103.4(ACTN2):c.1646A>T (p.Glu549Val)

Gene: ACTN2 (actinin alpha 2; plus strand). Cytogenetic location: 1q43.
Variant type: single nucleotide variant.
Coding change: c.1646A>T on transcript NM_001103.4 (MANE Select); coding-DNA position 1646, A replaced by T.
Protein change: p.Glu549Val; replaces glutamic acid 549 with valine.
Molecular consequence: missense variant.
Genome position (GRCh38, 1-based): chr1:236,749,254, A>T. VCF-style: chr1-236749254-A-T. GRCh37 (hg19) VCF-style: chr1-236912554-A-T.
Other names: c.1646A>T, p.Glu549Val (NM_001278343.2); c.1022A>T, p.Glu341Val (NM_001278344.2); c.1646A>T (NM_001103.3); short protein forms E341V, E549V.
Identifiers: ClinVar variation 1011530 (VCV001011530.12), dbSNP rs149794430, ClinGen allele CA1473208.